The following is an entry in ClinVar:

NM_173630.4(RTTN):c.1624C>T (p.Arg542Ter)

Gene: RTTN (rotatin; minus strand). Cytogenetic location: 18q22.2.
Variant type: single nucleotide variant.
Coding change: c.1624C>T on transcript NM_173630.4 (MANE Select); coding-DNA position 1624, C replaced by T.
Protein change: p.Arg542Ter; replaces arginine 542 with a stop codon.
Molecular consequence: nonsense. On other transcripts: 5 prime UTR variant (1).
Genome position (GRCh38, 1-based): chr18:70,168,920, G>A on the plus strand (C>T on the coding strand, the complement: RTTN is on the minus strand). VCF-style: chr18-70168920-G-A. GRCh37 (hg19) VCF-style: chr18-67836156-G-A.
Other names: c.-1024C>T (NM_001318520.2); short protein forms R542*.
Identifiers: ClinVar variation 1444149 (VCV001444149.8), dbSNP rs374356518, ClinGen allele CA8996133.

ClinVar aggregate classification (germline): Pathogenic/Likely pathogenic. Review status: criteria provided, multiple submitters, no conflicts (2 of 4 stars). 3 submissions from 3 submitters: Pathogenic (1); Likely pathogenic (2). Last evaluated 2025-11-10.

Conditions:
Microcephalic primordial dwarfism due to RTTN deficiency (MSSP). Also called: MICROCEPHALY, SHORT STATURE, AND POLYMICROGYRIA; Microcephaly, short stature, and polymicrogyria with or without seizures. Identifiers: Orphanet 468631, MedGen C3553831, MONDO:0018764, OMIM 614833.
RTTN-related disorder. Also called: RTTN-related condition.

Allele frequency attached by ClinVar (database versions not stated): ExAC 0.00001; gnomAD exomes 0.00002; TOPMed 0.00002; ESP Exome Variant Server 0.00009.
gnomAD v4.1: 32 of 1,613,278 alleles (0.002%); highest among the groups gnomAD compares: Non-Finnish European, 0.0026%; no homozygotes.

Submissions (3):

Labcorp Genetics (formerly Invitae), Labcorp
Classification: Pathogenic. Last evaluated: 2025-11-10. Review status: criteria provided, single submitter. Criteria: Invitae Variant Classification Sherloc (09022015). Collection method: clinical testing. Allele origin: germline.
Comment: This sequence change creates a premature translational stop signal (p.Arg542*) in the RTTN gene. It is expected to result in an absent or disrupted protein product. Loss-of-function variants in RTTN are known to be pathogenic (PMID: 26608784, 26846091). This variant is present in population databases (rs374356518, gnomAD 0.003%). This variant has not been reported in the literature in individuals affected with RTTN-related conditions. ClinVar contains an entry for this variant (Variation ID: 1444149). For these reasons, this variant has been classified as Pathogenic.

Blueprint Genetics
Classification: Likely pathogenic for RTTN-related disorders. Last evaluated: 2024-09-14. Review status: criteria provided, single submitter. Criteria: ACMG Guidelines, 2015. Collection method: clinical testing. Allele origin: germline. Affected: yes. Observed: 5 variant alleles.

Revvity Omics, Revvity
Classification: Likely pathogenic for Microcephalic primordial dwarfism due to RTTN deficiency. Last evaluated: 2024-07-12. Review status: criteria provided, single submitter. Criteria: ACMG Guidelines, 2015. Collection method: clinical testing. Allele origin: germline.

Literature cited by the submitters: PubMed 26608784 (cited by Labcorp Genetics (formerly Invitae), Labcorp); PubMed 26846091 (cited by Labcorp Genetics (formerly Invitae), Labcorp).